The following is an entry in ClinVar:

NM_001614.5(ACTG1):c.985-11T>C

Gene: ACTG1 (actin gamma 1; minus strand). Cytogenetic location: 17q25.3.
Variant type: single nucleotide variant.
Coding change: c.985-11T>C on transcript NM_001614.5 (MANE Select); 11 bases into the intron before coding-DNA position 985, T replaced by C.
Molecular consequence: intron variant.
Genome position (GRCh38, 1-based): chr17:81,510,844, A>G on the plus strand (T>C on the coding strand, the complement: ACTG1 is on the minus strand). VCF-style: chr17-81510844-A-G. GRCh37 (hg19) VCF-style: chr17-79477870-A-G.
Other names: c.985-11T>C (NM_001199954.3).
Identifiers: ClinVar variation 515806 (VCV000515806.1), dbSNP rs1555666410, ClinGen allele CA658798982.

ClinVar aggregate classification (germline): Likely benign (1 of 4 stars; one submission).

Submission:

GeneDx
Classification: Likely benign. Last evaluated: 2018-02-26. Review status: criteria provided, single submitter. Criteria: GeneDx Variant Classification (06012015). Collection method: clinical testing. Allele origin: germline. Affected: yes.
Comment: This variant is considered likely benign or benign based on one or more of the following criteria: it is a conservative change, it occurs at a poorly conserved position in the protein, it is predicted to be benign by multiple in silico algorithms, and/or has population frequency not consistent with disease.